The following is an entry in ClinVar:

NM_207037.2(TCF12):c.1582+6T>C

Gene: TCF12 (transcription factor 12; plus strand). Cytogenetic location: 15q21.3.
Variant type: single nucleotide variant.
Coding change: c.1582+6T>C on transcript NM_207037.2 (MANE Select); 6 bases into the intron after coding-DNA position 1582, T replaced by C.
Molecular consequence: intron variant.
Genome position (GRCh38, 1-based): chr15:57,262,214, T>C. VCF-style: chr15-57262214-T-C. GRCh37 (hg19) VCF-style: chr15-57554412-T-C.
Other names: c.1582+6T>C (NM_001322151.2, NM_001322159.3, NM_001322152.2 and 2 more transcripts); c.1510+6T>C (NM_001322157.3, NM_003205.4, NM_207038.2 and 1 more transcripts); c.1408+6T>C (NM_001322156.2); c.1336+6T>C (NM_001322158.2); c.925+6T>C (NM_001322154.2); c.1579+6T>C (NM_001322161.2); c.1546+6T>C (NM_001322164.2); c.1072+6T>C (NM_001306219.3); and 2 more.
Identifiers: ClinVar variation 1933163 (VCV001933163.5), dbSNP rs776683648, ClinGen allele CA7581296.
Genomic context (GRCh38, chr15:57,262,214, plus strand): 5'-ACAGTCACTACTTCAAGCACAGACCTGAACCATAAAACACAAGAAAATTATAGAGGTAAC[T>C]ATATTGTTGGTTTTCAGAAATAATGCAGACAGAGATATCATTTGGAACACTGTCACCTTT-3'

ClinVar aggregate classification (germline): Uncertain significance (1 of 4 stars; one submission).

Allele frequency attached by ClinVar (database versions not stated): ExAC 0.00001; gnomAD 0.00001; TOPMed 0.00001.
gnomAD v4.1: 6 of 1,576,246 alleles (0.00038%); highest among the groups gnomAD compares: Admixed American, 0.01%; no homozygotes.

Submission:

Labcorp Genetics (formerly Invitae), Labcorp
Classification: Uncertain significance. Last evaluated: 2022-08-28. Review status: criteria provided, single submitter. Criteria: Invitae Variant Classification Sherloc (09022015). Collection method: clinical testing. Allele origin: germline.
Comment: Variants that disrupt the consensus splice site are a relatively common cause of aberrant splicing (PMID: 17576681, 9536098). Algorithms developed to predict the effect of sequence changes on RNA splicing suggest that this variant is not likely to affect RNA splicing. In summary, the available evidence is currently insufficient to determine the role of this variant in disease. Therefore, it has been classified as a Variant of Uncertain Significance. This variant is present in population databases (rs776683648, gnomAD 0.02%). This variant has not been reported in the literature in individuals affected with TCF12-related conditions. This sequence change falls in intron 17 of the TCF12 gene. It does not directly change the encoded amino acid sequence of the TCF12 protein. It affects a nucleotide within the consensus splice site.

Literature cited by the submitters: PubMed 17576681; PubMed 9536098.